The following is an entry in ClinVar:

ClinVar aggregate classification (germline): Benign/Likely benign. Review status: criteria provided, multiple submitters, no conflicts (2 of 4 stars). 2 submissions from 2 submitters: Benign (1); Likely benign (1). Last evaluated 2025-09-24.

Allele frequency attached by ClinVar (database versions not stated): ExAC 0.00033; 1000 Genomes Project 0.00040; TOPMed 0.00042; gnomAD 0.00044; 1000 Genomes Project 30x 0.00047; ESP Exome Variant Server 0.00047.
gnomAD v4.1: 139 of 1,556,408 alleles (0.0089%); highest among the groups gnomAD compares: African/African-American, 0.15%; no homozygotes.

Submissions (2):

Labcorp Genetics (formerly Invitae), Labcorp
Classification: Benign. Last evaluated: 2025-09-24. Review status: criteria provided, single submitter. Criteria: Invitae Variant Classification Sherloc (09022015). Collection method: clinical testing. Allele origin: germline.

Mayo Clinic Laboratories, Mayo Clinic
Classification: Likely benign. Last evaluated: 2024-12-26. Review status: criteria provided, single submitter. Criteria: ACMG Guidelines, 2015. Collection method: clinical testing. Allele origin: germline. Observed: 1 variant allele.
Comment: BS1, BP4, BP7

NM_001289104.2(PRKCSH):c.1127-4C>G

Gene: PRKCSH (PRKCSH beta subunit of glucosidase II; plus strand). Cytogenetic location: 19p13.2.
Variant type: single nucleotide variant.
Coding change: c.1127-4C>G on transcript NM_001289104.2 (MANE Select); 4 bases into the intron before coding-DNA position 1127, C replaced by G.
Molecular consequence: intron variant.
Genome position (GRCh38, 1-based): chr19:11,448,218, C>G. VCF-style: chr19-11448218-C-G. GRCh37 (hg19) VCF-style: chr19-11559033-C-G.
Other names: p.?; c.1127-4C>G (NM_001289103.2); c.1097-4C>G (NM_001379609.1, NM_001001329.3, NM_001289102.2); c.1106-4C>G (NM_001379608.1, NM_002743.3).
Identifiers: ClinVar variation 2163452 (VCV002163452.5), dbSNP rs200015811, ClinGen allele CA9213170.